The following is an entry in ClinVar:

ClinVar aggregate classification (germline): Uncertain significance. Review status: criteria provided, multiple submitters, no conflicts (2 of 4 stars). 2 submissions from 2 submitters: Uncertain significance (2). Last evaluated 2026-04-30.

Submissions (2):

Women's Health and Genetics/Laboratory Corporation of America, LabCorp
Classification: Uncertain significance. Last evaluated: 2026-04-30. Review status: criteria provided, single submitter. Criteria: LabCorp Variant Classification Summary - May 2015. Collection method: clinical testing. Allele origin: germline.
Comment: Variant summary: FRMPD4 c.3722C>T (p.Pro1241Leu) results in a non-conservative amino acid change in the encoded protein sequence. Algorithms developed to predict the effect of missense changes on protein structure and function are either unavailable or do not agree on the potential impact of this missense change. The variant was absent in 183140 control chromosomes. The available data on variant occurrences in the general population are insufficient to allow any conclusion about variant significance. To our knowledge, no occurrence of c.3722C>T in individuals affected with FRMPD4-related conditions and no experimental evidence demonstrating its impact on protein function have been reported. No submitters have cited clinical-significance assessments for this variant to ClinVar. Based on the evidence outlined above, the variant was classified as uncertain significance.

Blueprint Genetics
Classification: Uncertain significance. Last evaluated: 2022-11-17. Review status: criteria provided, single submitter. Criteria: ACMG Guidelines, 2015. Collection method: clinical testing. Allele origin: germline.

NM_001368397.1(FRMPD4):c.3722C>T (p.Pro1241Leu)

Gene: FRMPD4 (FERM and PDZ domain containing 4; plus strand). Cytogenetic location: Xp22.2.
Variant type: single nucleotide variant.
Coding change: c.3722C>T on transcript NM_001368397.1 (MANE Select); coding-DNA position 3722, C replaced by T.
Protein change: p.Pro1241Leu; replaces proline 1241 with leucine.
Molecular consequence: missense variant.
Genome position (GRCh38, 1-based): chrX:12,718,548, C>T. VCF-style: chrX-12718548-C-T. GRCh37 (hg19) VCF-style: chrX-12736667-C-T.
Other names: c.3833C>T, p.Pro1278Leu (NM_001368395.3, NM_001368398.3); c.3728C>T, p.Pro1243Leu (NM_001368396.3); c.3713C>T, p.Pro1238Leu (NM_001368399.3); c.3602C>T, p.Pro1201Leu (NM_001368400.3); c.3698C>T, p.Pro1233Leu (NM_001368401.1, NM_001368402.3); c.3722C>T, p.Pro1241Leu (NM_014728.3); short protein forms P1201L, P1233L, P1238L, P1241L, P1243L, P1278L.
Identifiers: ClinVar variation 4848808 (VCV004848808.2).
Genomic context (GRCh38, chrX:12,718,548, plus strand): 5'-GCTGTGGCACAGGCAGCAGTGGCAGTGCCTGTGCCACACCCGTGGAGTCGCCGCTCTGCC[C>T]CTCCCTGGGGAAGCACTTGATTCCTGACGCTTCTGGGAAAGGCGTGAATTACATTCCTTC-3'
Protein context (NP_001355326.1, residues 1231-1251): CATPVESPLC[Pro1241Leu]SLGKHLIPDA